The following is an entry in ClinVar:

NM_000170.3(GLDC):c.2162G>C (p.Gly721Ala)

Gene: GLDC (glycine decarboxylase; minus strand). Cytogenetic location: 9p24.1.
Variant type: single nucleotide variant.
Coding change: c.2162G>C on transcript NM_000170.3 (MANE Select); coding-DNA position 2162, G replaced by C.
Protein change: p.Gly721Ala; replaces glycine 721 with alanine.
Molecular consequence: missense variant.
Genome position (GRCh38, 1-based): chr9:6,556,193, C>G on the plus strand (G>C on the coding strand, the complement: GLDC is on the minus strand). VCF-style: chr9-6556193-C-G. GRCh37 (hg19) VCF-style: chr9-6556193-C-G.
Other names: short protein forms G721A.
Identifiers: ClinVar variation 1360728 (VCV001360728.8), dbSNP rs2129726062, ClinGen allele CA372881240.

ClinVar aggregate classification (germline): Uncertain significance (1 of 4 stars; one submission).

Conditions:
Glycine encephalopathy. Also called: Nonketotic hyperglycinemia; Non-ketotic hyperglycinemia. Identifiers: Orphanet 407, MedGen C0751748, MONDO:0011612, HP:0008288.

Submission:

Labcorp Genetics (formerly Invitae), Labcorp
Classification: Uncertain significance for Glycine encephalopathy. Last evaluated: 2021-06-13. Review status: criteria provided, single submitter. Criteria: Invitae Variant Classification Sherloc (09022015). Collection method: clinical testing. Allele origin: germline.
Comment: This variant is not present in population databases (ExAC no frequency). This variant has not been reported in the literature in individuals with GLDC-related conditions. Advanced modeling of protein sequence and biophysical properties (such as structural, functional, and spatial information, amino acid conservation, physicochemical variation, residue mobility, and thermodynamic stability) performed at Invitae indicates that this missense variant is expected to disrupt GLDC protein function. In summary, the available evidence is currently insufficient to determine the role of this variant in disease. Therefore, it has been classified as a Variant of Uncertain Significance. This sequence change replaces glycine with alanine at codon 721 of the GLDC protein (p.Gly721Ala). The glycine residue is highly conserved and there is a small physicochemical difference between glycine and alanine.